The following is an entry in ClinVar:

ClinVar aggregate classification (germline): Conflicting classifications of pathogenicity. Review status: criteria provided, conflicting classifications (1 of 4 stars). 7 submissions from 7 submitters: Uncertain significance (5); Likely benign (2). Last evaluated 2025-04-09.

Conditions:
Cardiomyopathy (CMYO). Also called: Cardiomyopathies. Identifiers: Orphanet 167848, MedGen C0878544, MONDO:0004994, HP:0001638. Inheritance: Various modes of inheritance.
Autosomal recessive limb-girdle muscular dystrophy type 2J (LGMDR10). Also called: Limb-girdle muscular dystrophy, type 2J; MUSCULAR DYSTROPHY, LIMB-GIRDLE, AUTOSOMAL RECESSIVE 10. Identifiers: Orphanet 140922, MedGen C1837342, MONDO:0012127, OMIM 608807.
Dilated cardiomyopathy 1G (CMD1G). Identifiers: Orphanet 154, MedGen C1858763, MONDO:0011400, OMIM 604145.

Allele frequency attached by ClinVar (database versions not stated): gnomAD exomes 0.00001; TOPMed 0.00003; gnomAD 0.00004; 1000 Genomes Project 30x 0.00016; 1000 Genomes Project 0.00020.
gnomAD v4.1: 20 of 1,613,306 alleles (0.0012%); highest among the groups gnomAD compares: East Asian, 0.011%; no homozygotes.

Submissions (7):

Molecular Diagnostic Laboratory for Inherited Cardiovascular Disease, Montreal Heart Institute
Classification: Likely benign. Last evaluated: 2025-04-09. Review status: criteria provided, single submitter. Criteria: ACMG Guidelines, 2015. Collection method: clinical testing. Allele origin: germline. Affected: no.

Women's Health and Genetics/Laboratory Corporation of America, LabCorp
Classification: Uncertain significance. Last evaluated: 2024-12-02. Review status: criteria provided, single submitter. Criteria: LabCorp Variant Classification Summary - May 2015. Collection method: clinical testing. Allele origin: germline.
Comment: Variant summary: TTN c.49180C>T (p.Arg16394Trp) results in a non-conservative amino acid change in the encoded protein sequence. Three of three in-silico tools predict a damaging effect of the variant on protein function. The variant allele was found at a frequency of 8.1e-06 in 248192 control chromosomes. The available data on variant occurrences in the general population are insufficient to allow any conclusion about variant significance. c.49180C>T has been reported in the heterozygous state in the literature in at least 1 individual affected with dilated cardiomyopathy (example, Lian_2023). These report(s) do not provide unequivocal conclusions about association of the variant with TTN-related conditions. To our knowledge, no experimental evidence demonstrating an impact on protein function has been reported. The following publication has been ascertained in the context of this evaluation (PMID: 37461109). ClinVar contains an entry for this variant (Variation ID: 467293). Based on the evidence outlined above, the variant was classified as uncertain significance.

Revvity Omics, Revvity
Classification: Uncertain significance. Last evaluated: 2023-01-12. Review status: criteria provided, single submitter. Criteria: ACMG Guidelines, 2015. Collection method: clinical testing. Allele origin: germline.

CHEO Genetics Diagnostic Laboratory, Children's Hospital of Eastern Ontario
Classification: Uncertain significance for Cardiomyopathy. Last evaluated: 2020-08-13. Review status: criteria provided, single submitter. Criteria: ACMG Guidelines, 2015. Collection method: clinical testing. Allele origin: germline.

GeneDx
Classification: Likely benign. Last evaluated: 2019-12-02. Review status: criteria provided, single submitter. Criteria: GeneDx Variant Classification Process June 2021. Collection method: clinical testing. Allele origin: germline. Affected: yes.

ARUP Laboratories, Molecular Genetics and Genomics, ARUP Laboratories
Classification: Uncertain significance. Last evaluated: 2018-06-04. Review status: criteria provided, single submitter. Criteria: ARUP Molecular Germline Variant Investigation Process. Collection method: clinical testing. Allele origin: germline.
Comment: The TTN: c.49180C>T; p.Arg16394Trp variant is rare in the general population (<1% allele frequency in the Genome Aggregation Database) and has not been reported in the medical literature in association with dilated cardiomyopathy (DCM) or other TTN-related disease. The clinical relevance of rare missense variants in this gene, which are identified on average once per individual sequenced in affected populations (Herman 2012), is not well understood. While the clinical significance of such variants is considered uncertain, evidence suggests that the vast majority of missense variants do not contribute to the clinical outcome of DCM (Begay 2015). Given the available evidence, the clinical significance of the p.Arg16394Trp variant cannot be determined with certainty.

Labcorp Genetics (formerly Invitae), Labcorp
Classification: Uncertain significance for Dilated cardiomyopathy 1G; Autosomal recessive limb-girdle muscular dystrophy type 2J. Last evaluated: 2017-01-31. Review status: criteria provided, single submitter. Criteria: Invitae Variant Classification Sherloc (09022015). Collection method: clinical testing. Allele origin: germline.

Literature cited by the submitters: PubMed 37461109 (cited by Women's Health and Genetics/Laboratory Corporation of America, LabCorp).

NM_001267550.2(TTN):c.56884C>T (p.Arg18962Trp)

Genes: TTN-AS1 (TTN antisense RNA 1; plus strand), TTN (titin; minus strand). Cytogenetic location: 2q31.2.
Variant type: single nucleotide variant.
Coding change: c.56884C>T on transcript NM_001267550.2 (MANE Select); coding-DNA position 56884, C replaced by T.
Protein change: p.Arg18962Trp; replaces arginine 18962 with tryptophan.
Molecular consequence: missense variant.
Genome position (GRCh38, 1-based): chr2:178,598,826, G>A on the plus strand (C>T on the coding strand, the complement: TTN is on the minus strand). VCF-style: chr2-178598826-G-A. GRCh37 (hg19) VCF-style: chr2-179463553-G-A.
Other names: c.51961C>T, p.Arg17321Trp (NM_001256850.1); c.29689C>T, p.Arg9897Trp (NM_003319.4); c.49180C>T, p.Arg16394Trp (NM_133378.4); c.30064C>T, p.Arg10022Trp (NM_133432.3); c.30265C>T, p.Arg10089Trp (NM_133437.4); short protein forms R18962W, R16394W, R17321W, R10022W, R9897W, R10089W.
Identifiers: ClinVar variation 467293 (VCV000467293.20), dbSNP rs556286196, ClinGen allele CA60975146.